The following is an entry in ClinVar:

NM_000465.4(BARD1):c.1753C>T (p.Leu585Phe)

Gene: BARD1 (BRCA1 associated RING domain 1; minus strand). Cytogenetic location: 2q35.
Variant type: single nucleotide variant.
Coding change: c.1753C>T on transcript NM_000465.4 (MANE Select); coding-DNA position 1753, C replaced by T.
Protein change: p.Leu585Phe; replaces leucine 585 with phenylalanine.
Molecular consequence: missense variant. On other transcripts: non-coding transcript variant (3), intron variant (1).
Genome position (GRCh38, 1-based): chr2:214,745,779, G>A on the plus strand (C>T on the coding strand, the complement: BARD1 is on the minus strand). VCF-style: chr2-214745779-G-A. GRCh37 (hg19) VCF-style: chr2-215610503-G-A.
Other names: c.1696C>T, p.Leu566Phe (NM_001282543.2); c.400C>T, p.Leu134Phe (NM_001282545.2); c.343C>T, p.Leu115Phe (NM_001282548.2); c.365-15271C>T (NM_001282549.2); short protein forms L134F, L585F, L115F, L566F.
Identifiers: ClinVar variation 5032768 (VCV005032768.1).

ClinVar aggregate classification (germline): Uncertain significance (1 of 4 stars; one submission).

Conditions:
Hereditary cancer-predisposing syndrome. Also called: Neoplastic Syndromes, Hereditary; Tumor predisposition; Hereditary neoplastic syndrome; Hereditary Cancer Syndrome. Identifiers: Orphanet 140162, MedGen C0027672, MeSH D009386, MONDO:0015356.

Submission:

Ambry Genetics
Classification: Uncertain significance for Hereditary cancer-predisposing syndrome. Last evaluated: 2026-07-06. Review status: criteria provided, single submitter. Criteria: Ambry Variant Classification Scheme 2023. Collection method: clinical testing. Allele origin: germline.
Comment: The p.L585F variant (also known as c.1753C>T), located in coding exon 8 of the BARD1 gene, results from a C to T substitution at nucleotide position 1753. The leucine at codon 585 is replaced by phenylalanine, an amino acid with highly similar properties. This amino acid position is conserved. In addition, the in silico prediction for this alteration is inconclusive. Based on the available evidence, the clinical significance of this variant remains unclear.